The following is an entry in ClinVar:

ClinVar aggregate classification (germline): Uncertain significance (1 of 4 stars; one submission).

Allele frequency attached by ClinVar (database versions not stated): gnomAD exomes below 0.00001; TOPMed 0.00003; ExAC 0.00004; gnomAD 0.00005.
gnomAD v4.1: 10 of 1,568,402 alleles (0.00064%); highest among the groups gnomAD compares: African/African-American, 0.014%; no homozygotes.

Submission:

Women's Health and Genetics/Laboratory Corporation of America, LabCorp
Classification: Uncertain significance. Last evaluated: 2023-08-25. Review status: criteria provided, single submitter. Criteria: LabCorp Variant Classification Summary - May 2015. Collection method: clinical testing. Allele origin: germline.
Comment: Variant summary: POLRMT c.1783A>C (p.Lys595Gln) results in a conservative amino acid change located in the DNA-directed RNA polymerase, N-terminal domain (IPR029262) of the encoded protein sequence. Five of five in-silico tools predict a benign effect of the variant on protein function. The variant allele was found at a frequency of 1.1e-05 in 174092 control chromosomes (gnomAD). The available data on variant occurrences in the general population are insufficient to allow any conclusion about variant significance. To our knowledge, no occurrence of c.1783A>C in individuals affected with Combined Oxidative Phosphorylation Deficiency 55 and no experimental evidence demonstrating its impact on protein function have been reported. No submitters have cited clinical-significance assessments for this variant to ClinVar after 2014. Based on the evidence outlined above, the variant was classified as uncertain significance.

NM_005035.4(POLRMT):c.1783A>C (p.Lys595Gln)

Gene: POLRMT (RNA polymerase mitochondrial; minus strand). Cytogenetic location: 19p13.3.
Variant type: single nucleotide variant.
Coding change: c.1783A>C on transcript NM_005035.4 (MANE Select); coding-DNA position 1783, A replaced by C.
Protein change: p.Lys595Gln; replaces lysine 595 with glutamine.
Molecular consequence: missense variant. On other transcripts: non-coding transcript variant (1), intron variant (2).
Genome position (GRCh38, 1-based): chr19:622,217, T>G on the plus strand (A>C on the coding strand, the complement: POLRMT is on the minus strand). VCF-style: chr19-622217-T-G. GRCh37 (hg19) VCF-style: chr19-622217-T-G.
Other names: c.1783A>C, p.Lys595Gln (NM_001407805.1, NM_001407808.1, NM_001407812.1 and 4 more transcripts); c.1774A>C, p.Lys592Gln (NM_001407806.1, NM_001407809.1); c.1771A>C, p.Lys591Gln (NM_001407807.1, NM_001407810.1); c.1741A>C, p.Lys581Gln (NM_001407811.1, NM_001407813.1); c.1459A>C, p.Lys487Gln (NM_001407831.1, NM_001407833.1, NM_001407835.1 and 1 more transcripts); c.1450A>C, p.Lys484Gln (NM_001407834.1); c.1626+365A>C (NM_001407832.1, NM_001407830.1); short protein forms K484Q, K487Q, K581Q, K591Q, K592Q, K595Q.
Identifiers: ClinVar variation 2581378 (VCV002581378.1), dbSNP rs773336329, ClinGen allele CA9020171.